The following is an entry in ClinVar:

NM_001012720.2(RGR):c.88G>A (p.Gly30Ser)

Gene: RGR (retinal G protein coupled receptor; plus strand). Cytogenetic location: 10q23.1.
Variant type: single nucleotide variant.
Coding change: c.88G>A on transcript NM_001012720.2 (MANE Select); coding-DNA position 88, G replaced by A.
Protein change: p.Gly30Ser; replaces glycine 30 with serine.
Molecular consequence: missense variant.
Genome position (GRCh38, 1-based): chr10:84,247,599, G>A. VCF-style: chr10-84247599-G-A. GRCh37 (hg19) VCF-style: chr10-86007355-G-A.
Other names: c.88G>A (NM_001012720.1); c.88G>A, p.Gly30Ser (NM_001012722.2, NM_002921.4); short protein forms G30S.
Identifiers: ClinVar variation 1052664 (VCV001052664.10), dbSNP rs552547432, ClinGen allele CA5581303.

ClinVar aggregate classification (germline): Uncertain significance. Review status: criteria provided, multiple submitters, no conflicts (2 of 4 stars). 3 submissions from 3 submitters: Uncertain significance (2). 1 of the submissions does not count toward it. Last evaluated 2025-11-25.

Conditions:
RGR-related disorder. Also called: RGR-related condition.

Allele frequency attached by ClinVar (database versions not stated): gnomAD 0.00003 and 0.00004; TOPMed 0.00005; gnomAD exomes 0.00006; ExAC 0.00007.
gnomAD v4.1: 101 of 1,613,892 alleles (0.0063%); highest among the groups gnomAD compares: Non-Finnish European, 0.0069%; 1 homozygote.

Submissions (3):

Labcorp Genetics (formerly Invitae), Labcorp
Classification: Uncertain significance. Last evaluated: 2025-11-25. Review status: criteria provided, single submitter. Criteria: Invitae Variant Classification Sherloc (09022015). Collection method: clinical testing. Allele origin: germline.
Comment: This sequence change replaces glycine, which is neutral and non-polar, with serine, which is neutral and polar, at codon 30 of the RGR protein (p.Gly30Ser). This variant is present in population databases (rs552547432, gnomAD 0.01%). This variant has not been reported in the literature in individuals affected with RGR-related conditions. ClinVar contains an entry for this variant (Variation ID: 1052664). Experimental studies and prediction algorithms are not available or were not evaluated, and the functional significance of this variant is currently unknown. In summary, the available evidence is currently insufficient to determine the role of this variant in disease. Therefore, it has been classified as a Variant of Uncertain Significance.

Blueprint Genetics
Classification: Uncertain significance. Last evaluated: 2024-10-14. Review status: criteria provided, single submitter. Criteria: ACMG Guidelines, 2015. Collection method: clinical testing. Allele origin: germline.

PreventionGenetics, part of Exact Sciences
Classification: Uncertain significance for RGR-related condition. Last evaluated: 2024-02-01. Review status: no assertion criteria provided. Collection method: clinical testing. Allele origin: germline. Not counted in ClinVar's aggregate classification.
Comment: The RGR c.88G>A variant is predicted to result in the amino acid substitution p.Gly30Ser. To our knowledge, this variant has not been reported in the literature. This variant is reported in 0.011% of alleles in individuals of European (Non-Finnish) descent in gnomAD, which may be too common for autosomal dominant disease. At this time, the clinical significance of this variant is uncertain due to the absence of conclusive functional and genetic evidence.